The following is an entry in ClinVar:

ClinVar aggregate classification (germline): Uncertain significance (1 of 4 stars; one submission).

Submission:

GeneDx
Classification: Uncertain significance. Last evaluated: 2022-01-19. Review status: criteria provided, single submitter. Criteria: GeneDx Variant Classification Process June 2021. Collection method: clinical testing. Allele origin: germline. Affected: yes.
Comment: Not observed at significant frequency in large population cohorts (gnomAD); In silico analysis supports that this missense variant does not alter protein structure/function; Has not been previously published as pathogenic or benign to our knowledge

NM_001211.6(BUB1B):c.704A>G (p.Lys235Arg)

Gene: BUB1B (BUB1 mitotic checkpoint serine/threonine kinase B; plus strand). Cytogenetic location: 15q15.1.
Variant type: single nucleotide variant.
Coding change: c.704A>G on transcript NM_001211.6 (MANE Select); coding-DNA position 704, A replaced by G.
Protein change: p.Lys235Arg; replaces lysine 235 with arginine.
Molecular consequence: missense variant.
Genome position (GRCh38, 1-based): chr15:40,183,836, A>G. VCF-style: chr15-40183836-A-G. GRCh37 (hg19) VCF-style: chr15-40476037-A-G.
Other names: short protein forms K235R.
Identifiers: ClinVar variation 1698343 (VCV001698343.2), dbSNP rs2140889871, ClinGen allele CA391683432.